The following is an entry in ClinVar:

ClinVar aggregate classification (germline): Uncertain significance. Review status: criteria provided, multiple submitters, no conflicts (2 of 4 stars). 4 submissions from 4 submitters: Uncertain significance (4). Last evaluated 2025-11-03.

Conditions:
Familial isolated arrhythmogenic right ventricular dysplasia. Identifiers: Orphanet 217656, MedGen C4274968, MONDO:0016342.
Cardiomyopathy (CMYO). Also called: Cardiomyopathies. Identifiers: Orphanet 167848, MedGen C0878544, MONDO:0004994, HP:0001638. Inheritance: Various modes of inheritance.
Arrhythmogenic right ventricular dysplasia 11. Also called: ARRHYTHMOGENIC RIGHT VENTRICULAR DYSPLASIA, FAMILIAL, 11; Arrhythmogenic right ventricular dysplasia 11 with mild palmoplantar keratoderma and woolly hair; Arrhythmogenic Right Ventricular Dysplasia/Cardiomyopathy11. Identifiers: MedGen C1864850, MONDO:0012506, OMIM 610476.

Allele frequency attached by ClinVar (database versions not stated): gnomAD 0.00001 and 0.00002; gnomAD exomes 0.00002 and 0.00004; TOPMed below 0.00001; ExAC 0.00002.
gnomAD v4.1: 28 of 1,613,872 alleles (0.0017%); highest among the groups gnomAD compares: South Asian, 0.026%; no homozygotes.

Submissions (4):

Color Diagnostics, LLC DBA Color Health
Classification: Uncertain significance for Cardiomyopathy. Last evaluated: 2025-11-03. Review status: criteria provided, single submitter. Criteria: ACMG Guidelines, 2015. Collection method: clinical testing. Allele origin: germline.
Comment: This missense variant replaces methionine with threonine at codon 786 of the DSC2 protein. Computational prediction tools and conservation analyses are inconclusive regarding the impact of this variant on the protein function. Computational splicing tools suggest that this variant may not impact RNA splicing. To our knowledge, functional assays have not been performed for this variant nor has this variant been reported in individuals affected with cardiovascular disorders in the literature. This variant has been identified in 13/276834 chromosomes (10/30782 South Asian chromosomes) in the general population by the Genome Aggregation Database (gnomAD). Available evidence is insufficient to determine the role of this variant in disease conclusively. Therefore, this variant is classified as a Variant of Uncertain Significance.

Labcorp Genetics (formerly Invitae), Labcorp
Classification: Uncertain significance for Arrhythmogenic right ventricular dysplasia 11. Last evaluated: 2024-11-18. Review status: criteria provided, single submitter. Criteria: Invitae Variant Classification Sherloc (09022015). Collection method: clinical testing. Allele origin: germline.
Comment: This sequence change replaces methionine, which is neutral and non-polar, with threonine, which is neutral and polar, at codon 786 of the DSC2 protein (p.Met786Thr). This variant is present in population databases (rs397517398, gnomAD 0.03%). This variant has not been reported in the literature in individuals affected with DSC2-related conditions. ClinVar contains an entry for this variant (Variation ID: 46177). Invitae Evidence Modeling of protein sequence and biophysical properties (such as structural, functional, and spatial information, amino acid conservation, physicochemical variation, residue mobility, and thermodynamic stability) indicates that this missense variant is not expected to disrupt DSC2 protein function with a negative predictive value of 80%. In summary, the available evidence is currently insufficient to determine the role of this variant in disease. Therefore, it has been classified as a Variant of Uncertain Significance.

All of Us Research Program, National Institutes of Health
Classification: Uncertain significance for Familial isolated arrhythmogenic right ventricular dysplasia. Last evaluated: 2024-05-14. Review status: criteria provided, single submitter. Criteria: ACMG Guidelines, 2015. Collection method: clinical testing. Allele origin: germline. Inheritance: Autosomal dominant inheritance. Observed: 3 variant alleles, 3 heterozygotes.
Comment: This missense variant replaces methionine with threonine at codon 786 of the DSC2 protein. Computational prediction tools and conservation analyses are inconclusive regarding the impact of this variant on the protein function. Computational splicing tools suggest that this variant may not impact RNA splicing. To our knowledge, functional assays have not been performed for this variant nor has this variant been reported in individuals affected with cardiovascular disorders in the literature. This variant has been identified in 13/276834 chromosomes (10/30782 South Asian chromosomes) in the general population by the Genome Aggregation Database (gnomAD). Available evidence is insufficient to determine the role of this variant in disease conclusively. Therefore, this variant is classified as a Variant of Uncertain Significance.

This study involves interpretation of variants in research participants for the purpose of population health screening. Participant phenotype was not available at the time of variant classification. Additional details can be found in publication PMID: 35346344, PMCID: PMC8962531

Laboratory for Molecular Medicine, Mass General Brigham Personalized Medicine
Classification: Uncertain significance. Last evaluated: 2015-02-17. Review status: criteria provided, single submitter. Criteria: LMM Criteria. Collection method: clinical testing. Allele origin: germline. Observed: 1 variant allele.
Comment: proposed classification - variant undergoing re-assessment, contact laboratory

NM_024422.6(DSC2):c.2357T>C (p.Met786Thr)

Gene: DSC2 (desmocollin 2; minus strand). Cytogenetic location: 18q12.1.
Variant type: single nucleotide variant.
Coding change: c.2357T>C on transcript NM_024422.6 (MANE Select); coding-DNA position 2357, T replaced by C.
Protein change: p.Met786Thr; replaces methionine 786 with threonine.
Molecular consequence: missense variant.
Genome position (GRCh38, 1-based): chr18:31,069,045, A>G on the plus strand (T>C on the coding strand, the complement: DSC2 is on the minus strand). VCF-style: chr18-31069045-A-G. GRCh37 (hg19) VCF-style: chr18-28649011-A-G.
Other names: c.2357T>C, p.Met786Thr (NM_004949.5); short protein forms M786T.
Identifiers: ClinVar variation 46177 (VCV000046177.13), dbSNP rs397517398, ClinGen allele CA022681.